The following is an entry in ClinVar:

ClinVar aggregate classification (germline): Uncertain significance (1 of 4 stars; one submission).

Conditions:
LAMA5-related disorder. Also called: LAMA5-related condition; LAMA5-Related Disorders.

gnomAD v4.1: 2 of 1,183,236 alleles (0.00017%); highest among the groups gnomAD compares: Non-Finnish European, 0.00021%; no homozygotes.

Submission:

PreventionGenetics, part of Exact Sciences
Classification: Uncertain significance for LAMA5-related condition. Last evaluated: 2024-10-18. Review status: criteria provided, single submitter. Criteria: ACMG Guidelines, 2015. Collection method: clinical testing. Allele origin: germline.
Comment: The LAMA5 c.5C>T variant is predicted to result in the amino acid substitution p.Ala2Val. To our knowledge, this variant has not been reported in the literature or in a large population database (gnomAD), indicating this variant is rare. At this time, the clinical significance of this variant is uncertain due to the absence of conclusive functional and genetic evidence.

NM_005560.6(LAMA5):c.5C>T (p.Ala2Val)

Genes: LAMA5 (laminin subunit alpha 5; minus strand), LOC130066305 (ATAC-STARR-seq lymphoblastoid silent region 13109; plus strand). Cytogenetic location: 20q13.33.
Variant type: single nucleotide variant.
Coding change: c.5C>T on transcript NM_005560.6 (MANE Select); coding-DNA position 5, C replaced by T.
Protein change: p.Ala2Val; replaces alanine 2 with valine.
Molecular consequence: missense variant.
Genome position (GRCh38, 1-based): chr20:62,367,241, G>A on the plus strand (C>T on the coding strand, the complement: LAMA5 is on the minus strand). VCF-style: chr20-62367241-G-A. GRCh37 (hg19) VCF-style: chr20-60942297-G-A.
Other names: short protein forms A2V.
Identifiers: ClinVar variation 4988009 (VCV004988009.1).